The following is an entry in ClinVar:

ClinVar aggregate classification (germline): Uncertain significance (1 of 4 stars; one submission).

Submission:

GeneDx
Classification: Uncertain significance. Last evaluated: 2024-09-05. Review status: criteria provided, single submitter. Criteria: GeneDx Variant Classification Process June 2021. Collection method: clinical testing. Allele origin: germline. Affected: yes.
Comment: Not observed at significant frequency in large population cohorts (gnomAD); In silico analysis supports that this missense variant has a deleterious effect on protein structure/function; Has not been previously published as pathogenic or benign to our knowledge

NM_000834.5(GRIN2B):c.698C>T (p.Thr233Ile)

Gene: GRIN2B (glutamate ionotropic receptor NMDA type subunit 2B; minus strand). Cytogenetic location: 12p13.1.
Variant type: single nucleotide variant.
Coding change: c.698C>T on transcript NM_000834.5 (MANE Select); coding-DNA position 698, C replaced by T.
Protein change: p.Thr233Ile; replaces threonine 233 with isoleucine.
Molecular consequence: missense variant.
Genome position (GRCh38, 1-based): chr12:13,753,629, G>A on the plus strand (C>T on the coding strand, the complement: GRIN2B is on the minus strand). VCF-style: chr12-13753629-G-A. GRCh37 (hg19) VCF-style: chr12-13906563-G-A.
Other names: c.698C>T, p.Thr233Ile (NM_001413992.1, NM_001413993.1, NM_001413994.1 and 1 more transcripts); short protein forms T233I.
Identifiers: ClinVar variation 3767821 (VCV003767821.1).